The following is an entry in ClinVar:

ClinVar aggregate classification (germline): Conflicting classifications of pathogenicity. Review status: criteria provided, conflicting classifications (1 of 4 stars). 2 submissions from 1 submitter: Pathogenic (1); Uncertain significance (1). Last evaluated 2020-02-22.

Conditions:
Familial sleep-related hypermotor epilepsy. Also called: Autosomal Dominant Sleep-Related Hypermotor (Hyperkinetic) Epilepsy. Identifiers: Orphanet 98784, MedGen C3696898, MONDO:0000030.
Developmental and epileptic encephalopathy. Identifiers: MedGen C5779964, MONDO:0100620.

Submissions (2):

Labcorp Genetics (formerly Invitae), Labcorp
Classification: Pathogenic for Early-infantile DEE. Last evaluated: 2020-02-22. Review status: criteria provided, single submitter. Criteria: Invitae Variant Classification Sherloc (09022015). Collection method: clinical testing. Allele origin: germline.
Comment: For these reasons, this variant has been classified as Pathogenic. Sub-genic deletions of exons 9-17 and exons 13-17 have been determined to be pathogenic (PMID: 23360469,¬†9425895,¬†14534157). Therefore, deletions that fully encompass that region are also expected to be pathogenic. This variant has not been reported in the literature in individuals with KCNQ2-related disease. This variant is a gross deletion of the genomic region encompassing exons 8-17 of the KCNQ2 gene. The 5' boundary is likely confined to intron 7. The 3' end of this event is unknown as it extends through the termination codon beyond the assayed region for this gene and may encompass additional genes. While this deletion is not anticipated to result in nonsense mediated decay, it is expected to create a truncated protein product or disrupt mRNA translation.

Labcorp Genetics (formerly Invitae), Labcorp
Classification: Uncertain significance. Last evaluated: 2018-07-03. Review status: criteria provided, single submitter. Criteria: Invitae Variant Classification Sherloc (09022015). Collection method: clinical testing. Allele origin: germline.
Comment: A gross deletion of the genomic region encompassing the full coding sequence of the CHRNA4 gene has been identified. The boundaries of this event are unknown as the deletion extends beyond the assayed region for this gene and therefore may encompass additional genes. This variant has not been reported in the literature in individuals with CHRNA4-related disease. The current clinical and genetic evidence is not sufficient to establish whether loss-of-function variants in CHRNA4 cause disease. In summary, the available evidence is currently insufficient to determine the role of this variant in disease. Therefore, it has been classified as a Variant of Uncertain Significance.

Literature cited by the submitters: PubMed 23360469.

NC_000020.10:g.(?_61977556)_(62065276_?)del

Genes: CHRNA4 (cholinergic receptor nicotinic alpha 4 subunit; minus strand), KCNQ2 (potassium voltage-gated channel subfamily Q member 2; minus strand). Cytogenetic location: 20q13.33.
Variant type: Deletion.
Identifiers: ClinVar variation 584310 (VCV000584310.7).